The following is an entry in ClinVar:

NM_018124.4(RFWD3):c.33G>C (p.Gln11His)

Gene: RFWD3 (ring finger and WD repeat domain 3; minus strand). Cytogenetic location: 16q23.1.
Variant type: single nucleotide variant.
Coding change: c.33G>C on transcript NM_018124.4 (MANE Select); coding-DNA position 33, G replaced by C.
Protein change: p.Gln11His; replaces glutamine 11 with histidine.
Molecular consequence: missense variant. On other transcripts: 5 prime UTR variant (4), intron variant (1).
Genome position (GRCh38, 1-based): chr16:74,661,417, C>G on the plus strand (G>C on the coding strand, the complement: RFWD3 is on the minus strand). VCF-style: chr16-74661417-C-G. GRCh37 (hg19) VCF-style: chr16-74695315-C-G.
Other names: c.33G>C, p.Gln11His (NM_001370534.1, NM_001370535.1, NM_001370536.1); c.-976G>C (NM_001370537.1); c.-599G>C (NM_001370539.1, NM_001370541.1); c.-853G>C (NM_001370542.1); c.-731G>C (NM_001370543.1); c.-317+3207G>C (NM_001370540.1); short protein forms Q11H.
Identifiers: ClinVar variation 2780365 (VCV002780365.3), dbSNP rs1419172908, ClinGen allele CA396764741.

ClinVar aggregate classification (germline): Uncertain significance (1 of 4 stars; one submission).

Allele frequency attached by ClinVar (database versions not stated): gnomAD exomes 0.00001; TOPMed 0.00001.
gnomAD v4.1: 10 of 1,613,208 alleles (0.00062%); highest among the groups gnomAD compares: Non-Finnish European, 0.00076%; no homozygotes.

Submission:

Labcorp Genetics (formerly Invitae), Labcorp
Classification: Uncertain significance. Last evaluated: 2025-07-29. Review status: criteria provided, single submitter. Criteria: Invitae Variant Classification Sherloc (09022015). Collection method: clinical testing. Allele origin: germline.
Comment: This sequence change replaces glutamine, which is neutral and polar, with histidine, which is basic and polar, at codon 11 of the RFWD3 protein (p.Gln11His). This variant is not present in population databases (gnomAD no frequency). This variant has not been reported in the literature in individuals affected with RFWD3-related conditions. ClinVar contains an entry for this variant (Variation ID: 2780365). An algorithm developed to predict the effect of missense changes on protein structure and function outputs the following: PolyPhen-2: "Benign". The histidine amino acid residue is found in multiple mammalian species, which suggests that this missense change does not adversely affect protein function. In summary, the available evidence is currently insufficient to determine the role of this variant in disease. Therefore, it has been classified as a Variant of Uncertain Significance.